The following is an entry in ClinVar:

NM_003361.4(UMOD):c.1375C>T (p.Arg459Trp)

Gene: UMOD (uromodulin; minus strand). Cytogenetic location: 16p12.3.
Variant type: single nucleotide variant.
Coding change: c.1375C>T on transcript NM_003361.4 (MANE Select); coding-DNA position 1375, C replaced by T.
Protein change: p.Arg459Trp; replaces arginine 459 with tryptophan.
Molecular consequence: missense variant. On other transcripts: non-coding transcript variant (1).
Genome position (GRCh38, 1-based): chr16:20,341,293, G>A on the plus strand (C>T on the coding strand, the complement: UMOD is on the minus strand). VCF-style: chr16-20341293-G-A. GRCh37 (hg19) VCF-style: chr16-20352615-G-A.
Other names: p.Arg459Trp; c.1375C>T, p.Arg459Trp (NM_001008389.3, NM_001378232.1, NM_001378233.1); c.1474C>T, p.Arg492Trp (NM_001278614.2); c.1516C>T, p.Arg506Trp (NM_001378234.1, NM_001378235.1); c.1375C>T (NM_003361.2); short protein forms R459W, R492W, R506W.
Identifiers: ClinVar variation 318289 (VCV000318289.23), dbSNP rs139607138, ClinGen allele CA7939160.
Genomic context (GRCh38, chr16:20,341,293, plus strand): 5'-GTGTCACGGAGGAGCCTTGGTAGGGCTGCGTGTAGGAAGGGGTCTGGAAGAGCGCCATCC[G>A]CACGGTGAACATGCCGGTCCCGCCCACTCTGATGTTTAGAGCACTGCCAGGGGAGAAGGG-3'
Protein context (NP_003352.2, residues 449-469): RVGGTGMFTV[Arg459Trp]MALFQTPSYT

ClinVar aggregate classification (germline): Conflicting classifications of pathogenicity. Review status: criteria provided, conflicting classifications (1 of 4 stars). 4 submissions from 4 submitters: Uncertain significance (1); Benign (2). 1 of the submissions does not count toward it. Last evaluated 2025-12-03.

Conditions:
UMOD-related disorder. Also called: UMOD-related condition.

Allele frequency attached by ClinVar (database versions not stated): gnomAD exomes 0.00013 and 0.00031; ExAC 0.00042; gnomAD 0.00143 and 0.00146; ESP Exome Variant Server 0.00161; 1000 Genomes Project 0.00180; 1000 Genomes Project 30x 0.00234; TOPMed 0.00236.

Submissions (4):

Labcorp Genetics (formerly Invitae), Labcorp
Classification: Benign. Last evaluated: 2025-12-03. Review status: criteria provided, single submitter. Criteria: Invitae Variant Classification Sherloc (09022015). Collection method: clinical testing. Allele origin: germline.

Mayo Clinic Laboratories, Mayo Clinic
Classification: Benign. Last evaluated: 2024-11-12. Review status: criteria provided, single submitter. Criteria: ACMG Guidelines, 2015. Collection method: clinical testing. Allele origin: germline. Observed: 1 variant allele.
Comment: BS2

GeneDx
Classification: Uncertain significance. Last evaluated: 2021-10-22. Review status: criteria provided, single submitter. Criteria: GeneDx Variant Classification Process June 2021. Collection method: clinical testing. Allele origin: germline. Affected: yes.
Comment: In silico analysis, which includes protein predictors and evolutionary conservation, supports a deleterious effect; Has not been previously published as pathogenic or benign to our knowledge

PreventionGenetics, part of Exact Sciences
Classification: Likely benign for UMOD-related condition. Last evaluated: 2019-04-16. Review status: no assertion criteria provided. Collection method: clinical testing. Allele origin: germline. Not counted in ClinVar's aggregate classification.
Comment: This variant is classified as likely benign based on ACMG/AMP sequence variant interpretation guidelines (Richards et al. 2015 PMID: 25741868, with internal and published modifications).